The following is an entry in ClinVar:

NM_000530.8(MPZ):c.142C>G (p.Leu48Val)

Gene: MPZ (myelin protein zero; minus strand). Cytogenetic location: 1q23.3.
Variant type: single nucleotide variant.
Coding change: c.142C>G on transcript NM_000530.8 (MANE Select); coding-DNA position 142, C replaced by G.
Protein change: p.Leu48Val; replaces leucine 48 with valine.
Molecular consequence: missense variant.
Genome position (GRCh38, 1-based): chr1:161,307,350, G>C on the plus strand (C>G on the coding strand, the complement: MPZ is on the minus strand). VCF-style: chr1-161307350-G-C. GRCh37 (hg19) VCF-style: chr1-161277140-G-C.
Other names: c.142C>G (LRG_256t1); c.142C>G, p.Leu48Val (NM_001315491.2); short protein forms L48V.
Identifiers: ClinVar variation 637335 (VCV000637335.10), dbSNP rs1180998665, ClinGen allele CA343351252.

ClinVar aggregate classification (germline): Likely pathogenic. Review status: criteria provided, single submitter (1 of 4 stars). 2 submissions from 2 submitters: Likely pathogenic (1). 1 of the submissions does not count toward it. Last evaluated 2025-11-18.

Conditions:
Charcot-Marie-Tooth disease, type I (CMT1). Also called: Charcot-Marie-Tooth disease type 1; Charcot-Marie-Tooth, Type 1. Identifiers: Orphanet 65753, MedGen C0751036, MONDO:0019011.
Charcot-Marie-Tooth disease. Also called: Charcot-Marie-Tooth Hereditary Neuropathy; Charcot-Marie-Tooth Neuropathy. Identifiers: Orphanet 166, MedGen C0007959, MONDO:0015626.

Submissions (2):

Labcorp Genetics (formerly Invitae), Labcorp
Classification: Likely pathogenic for Charcot-Marie-Tooth disease, type I. Last evaluated: 2025-11-18. Review status: criteria provided, single submitter. Criteria: Invitae Variant Classification Sherloc (09022015). Collection method: clinical testing. Allele origin: germline.
Comment: This sequence change replaces leucine, which is neutral and non-polar, with valine, which is neutral and non-polar, at codon 48 of the MPZ protein (p.Leu48Val). This variant is not present in population databases (gnomAD no frequency). This missense change has been observed in individuals with clinical features of Charcot-Marie-Tooth disease (PMID: 22433810, 33179255). ClinVar contains an entry for this variant (Variation ID: 637335). Invitae Evidence Modeling of protein sequence and biophysical properties (such as structural, functional, and spatial information, amino acid conservation, physicochemical variation, residue mobility, and thermodynamic stability) indicates that this missense variant is expected to disrupt MPZ protein function with a positive predictive value of 80%. This variant disrupts the p.Leu48 amino acid residue in MPZ. Other variant(s) that disrupt this residue have been determined to be pathogenic (PMID: 16198109, 20456450). This suggests that this residue is clinically significant, and that variants that disrupt this residue are likely to be disease-causing. In summary, the currently available evidence indicates that the variant is pathogenic, but additional data are needed to prove that conclusively. Therefore, this variant has been classified as Likely Pathogenic.

Inherited Neuropathy Consortium
Classification: Uncertain significance for Charcot-Marie-Tooth disease. Review status: no assertion criteria provided. Collection method: literature only. Allele origin: germline. Affected: yes. Not counted in ClinVar's aggregate classification.

Literature cited by the submitters: PubMed 22433810 (cited by Labcorp Genetics (formerly Invitae), Labcorp and Inherited Neuropathy Consortium); PubMed 33179255 (cited by Labcorp Genetics (formerly Invitae), Labcorp); PubMed 16198109 (cited by Labcorp Genetics (formerly Invitae), Labcorp); PubMed 20456450 (cited by Labcorp Genetics (formerly Invitae), Labcorp).